The following is an entry in ClinVar:

NM_022437.3(ABCG8):c.1061G>A (p.Arg354His)

Gene: ABCG8 (ATP binding cassette subfamily G member 8; plus strand). Cytogenetic location: 2p21.
Variant type: single nucleotide variant.
Coding change: c.1061G>A on transcript NM_022437.3 (MANE Select); coding-DNA position 1061, G replaced by A.
Protein change: p.Arg354His; replaces arginine 354 with histidine.
Molecular consequence: missense variant.
Genome position (GRCh38, 1-based): chr2:43,872,072, G>A. VCF-style: chr2-43872072-G-A. GRCh37 (hg19) VCF-style: chr2-44099211-G-A.
Other names: c.1061G>A, p.Arg354His (NM_001357321.2); short protein forms R354H.
Identifiers: ClinVar variation 336074 (VCV000336074.8), dbSNP rs142346631, ClinGen allele CA1637267.
Genomic context (GRCh38, chr2:43,872,072, plus strand): 5'-AGGAATTGGCCACCAGGGAGAAGGCTCAGTCACTCGCAGCCCTGTTTCTAGAAAAAGTGC[G>A]TGACTTAGATGACTTTCTATGGAAAGCAGAGACGAAGGATCTTGACGAGGACACCTGTGT-3'
Protein context (NP_071882.1, residues 344-364): SLAALFLEKV[Arg354His]DLDDFLWKAE

ClinVar aggregate classification (germline): Uncertain significance. Review status: criteria provided, multiple submitters, no conflicts (2 of 4 stars). 3 submissions from 3 submitters: Uncertain significance (3). Last evaluated 2023-08-06.

Conditions:
Sitosterolemia 1. Identifiers: MedGen C2749759, MONDO:0020747, OMIM 210250.
Cardiovascular phenotype. Identifiers: MedGen CN230736.

Allele frequency attached by ClinVar (database versions not stated): TOPMed 0.00001; ExAC 0.00003.
gnomAD v4.1: 40 of 1,613,984 alleles (0.0025%); highest among the groups gnomAD compares: Admixed American, 0.0033%; no homozygotes.

Submissions (3):

Women's Health and Genetics/Laboratory Corporation of America, LabCorp
Classification: Uncertain significance. Last evaluated: 2023-08-06. Review status: criteria provided, single submitter. Criteria: LabCorp Variant Classification Summary - May 2015. Collection method: clinical testing. Allele origin: germline.

Ambry Genetics
Classification: Uncertain significance for Cardiovascular phenotype. Last evaluated: 2022-04-29. Review status: criteria provided, single submitter. Criteria: Ambry Variant Classification Scheme 2023. Collection method: clinical testing. Allele origin: germline.
Comment: The p.R354H variant (also known as c.1061G>A), located in coding exon 7 of the ABCG8 gene, results from a G to A substitution at nucleotide position 1061. The arginine at codon 354 is replaced by histidine, an amino acid with highly similar properties. This amino acid position is conserved. In addition, this alteration is predicted to be tolerated by in silico analysis. Since supporting evidence is limited at this time, the clinical significance of this alteration remains unclear.

Illumina Laboratory Services, Illumina
Classification: Uncertain significance for Sitosterolemia 1. Last evaluated: 2018-01-13. Review status: criteria provided, single submitter. Criteria: ICSL Variant Classification Criteria 13 December 2019. Collection method: clinical testing. Allele origin: germline.